The following is an entry in ClinVar:

ClinVar aggregate classification (germline): Uncertain significance (1 of 4 stars; one submission).

Conditions:
Dyskeratosis congenita, autosomal dominant 1 (DKCA1). Also called: Dyskeratosis congenita Scoggins type. Identifiers: Orphanet 1775, MedGen C4551974, MONDO:0007485, OMIM 127550. Inheritance: Variable.

Submission:

Labcorp Genetics (formerly Invitae), Labcorp
Classification: Uncertain significance for Dyskeratosis congenita, autosomal dominant 1. Last evaluated: 2021-10-31. Review status: criteria provided, single submitter. Criteria: Invitae Variant Classification Sherloc (09022015). Collection method: clinical testing. Allele origin: germline.
Comment: A copy number gain of the genomic region encompassing the full coding sequence of the TERC gene has been identified. The boundaries of this event are unknown as they extend beyond the assayed region for this gene and therefore may encompass additional genes. As the precise location of this event is unknown, it may be in tandem or it may be located elsewhere in the genome. This variant has not been reported in the literature in individuals affected with TERC-related conditions. In summary, the available evidence is currently insufficient to determine the role of this variant in disease. Therefore, it has been classified as a Variant of Uncertain Significance.

NC_000003.11:g.(?_169482388)_(170130102_?)dup

Genes: ACTRT3 (actin related protein T3; minus strand), GPR160 (G protein-coupled receptor 160; plus strand), LRRC31 (leucine rich repeat containing 31; minus strand), LRRC34 (leucine rich repeat containing 34; minus strand), LRRIQ4 (leucine rich repeats and IQ motif containing 4; plus strand) and 7 more. Cytogenetic location: 3q26.2.
Variant type: Duplication.
Identifiers: ClinVar variation 1390486 (VCV001390486.1).